The following is an entry in ClinVar:

NM_001033046.4(CYBC1):c.392C>T (p.Ala131Val)

Gene: CYBC1 (cytochrome b-245 chaperone 1; minus strand). Cytogenetic location: 17q25.3.
Variant type: single nucleotide variant.
Coding change: c.392C>T on transcript NM_001033046.4 (MANE Select); coding-DNA position 392, C replaced by T.
Protein change: p.Ala131Val; replaces alanine 131 with valine.
Molecular consequence: missense variant. On other transcripts: non-coding transcript variant (4).
Genome position (GRCh38, 1-based): chr17:82,444,498, G>A on the plus strand (C>T on the coding strand, the complement: CYBC1 is on the minus strand). VCF-style: chr17-82444498-G-A. GRCh37 (hg19) VCF-style: chr17-80402374-G-A.
Other names: c.392C>T, p.Ala131Val (NM_001100407.3, NM_001193653.2, NM_001193654.2 and 2 more transcripts); c.350C>T, p.Ala117Val (NM_001100408.3); short protein forms A117V, A131V.
Identifiers: ClinVar variation 1682705 (VCV001682705.4), dbSNP rs145403707, ClinGen allele CA8858221.

ClinVar aggregate classification (germline): Conflicting classifications of pathogenicity. Review status: criteria provided, conflicting classifications (1 of 4 stars). 2 submissions from 2 submitters: Uncertain significance (1); Likely benign (1). Last evaluated 2024-11-11.

Allele frequency attached by ClinVar (database versions not stated): gnomAD 0.00017; gnomAD exomes 0.00020; ExAC 0.00022; ESP Exome Variant Server 0.00062.

Submissions (2):

Blueprint Genetics
Classification: Likely benign. Last evaluated: 2024-11-11. Review status: criteria provided, single submitter. Criteria: ACMG Guidelines, 2015. Collection method: clinical testing. Allele origin: germline.

Labcorp Genetics (formerly Invitae), Labcorp
Classification: Uncertain significance. Last evaluated: 2022-10-25. Review status: criteria provided, single submitter. Criteria: Invitae Variant Classification Sherloc (09022015). Collection method: clinical testing. Allele origin: germline.
Comment: This sequence change replaces alanine, which is neutral and non-polar, with valine, which is neutral and non-polar, at codon 131 of the C17orf62 protein (p.Ala131Val). This variant is present in population databases (rs145403707, gnomAD 0.04%). This variant has not been reported in the literature in individuals affected with C17orf62-related conditions. ClinVar contains an entry for this variant (Variation ID: 1682705). Algorithms developed to predict the effect of missense changes on protein structure and function output the following: SIFT: "Tolerated"; PolyPhen-2: "Benign"; Align-GVGD: "Class C0". The valine amino acid residue is found in multiple mammalian species, which suggests that this missense change does not adversely affect protein function. In summary, the available evidence is currently insufficient to determine the role of this variant in disease. Therefore, it has been classified as a Variant of Uncertain Significance.